The following is an entry in ClinVar:

ClinVar aggregate classification (germline): Uncertain significance. Review status: criteria provided, multiple submitters, no conflicts (2 of 4 stars). 3 submissions from 3 submitters: Uncertain significance (3). Last evaluated 2025-05-12.

Conditions:
Autosomal recessive nonsyndromic hearing loss 70. Also called: Deafness, autosomal recessive 70. Identifiers: Orphanet 90636, MedGen C1824925, MONDO:0013978, OMIM 614934.

Allele frequency attached by ClinVar (database versions not stated): gnomAD exomes below 0.00001 and 0.00002; TOPMed below 0.00001.
gnomAD v4.1: 2 of 1,576,584 alleles (0.00013%); highest among the groups gnomAD compares: Admixed American, 0.0034%; no homozygotes.

Submissions (3):

Labcorp Genetics (formerly Invitae), Labcorp
Classification: Uncertain significance. Last evaluated: 2025-05-12. Review status: criteria provided, single submitter. Criteria: Invitae Variant Classification Sherloc (09022015). Collection method: clinical testing. Allele origin: germline.
Comment: This sequence change replaces lysine, which is basic and polar, with arginine, which is basic and polar, at codon 716 of the PNPT1 protein (p.Lys716Arg). This variant is present in population databases (no rsID available, gnomAD 0.01%). This missense change has been observed in individual(s) with clinical features of PNPT1-related conditions (internal data). In at least one individual the data is consistent with being in trans (on the opposite chromosome) from a pathogenic variant. ClinVar contains an entry for this variant (Variation ID: 1034187). An algorithm developed to predict the effect of missense changes on protein structure and function (PolyPhen-2) suggests that this variant is likely to be tolerated. Algorithms developed to predict the effect of sequence changes on RNA splicing suggest that this variant may disrupt the consensus splice site. In summary, the available evidence is currently insufficient to determine the role of this variant in disease. Therefore, it has been classified as a Variant of Uncertain Significance.

GeneDx
Classification: Uncertain significance. Last evaluated: 2023-01-20. Review status: criteria provided, single submitter. Criteria: GeneDx Variant Classification Process June 2021. Collection method: clinical testing. Allele origin: germline. Affected: yes.
Comment: Has not been previously published as pathogenic or benign to our knowledge; In silico analysis supports that this missense variant does not alter protein structure/function; In silico analysis is inconclusive as to whether the variant alters gene splicing. In the absence of RNA/functional studies, the actual effect of this sequence change is unknown.; Not observed at significant frequency in large population cohorts (gnomAD)

Baylor Genetics
Classification: Uncertain significance for Autosomal recessive nonsyndromic hearing loss 70. Last evaluated: 2018-12-07. Review status: criteria provided, single submitter. Criteria: ACMG Guidelines, 2015. Collection method: clinical testing. Allele origin: paternal. Affected: yes.
Comment: This variant was determined to be of uncertain significance according to ACMG Guidelines, 2015 [PMID:25741868].

NM_033109.5(PNPT1):c.2147A>G (p.Lys716Arg)

Gene: PNPT1 (polyribonucleotide nucleotidyltransferase 1; minus strand). Cytogenetic location: 2p16.1.
Variant type: single nucleotide variant.
Coding change: c.2147A>G on transcript NM_033109.5 (MANE Select); coding-DNA position 2147, A replaced by G.
Protein change: p.Lys716Arg; replaces lysine 716 with arginine.
Molecular consequence: missense variant.
Genome position (GRCh38, 1-based): chr2:55,640,628, T>C on the plus strand (A>G on the coding strand, the complement: PNPT1 is on the minus strand). VCF-style: chr2-55640628-T-C. GRCh37 (hg19) VCF-style: chr2-55867763-T-C.
Other names: short protein forms K716R.
Identifiers: ClinVar variation 1034187 (VCV001034187.8), dbSNP rs1318691269, ClinGen allele CA346923539.